The following is an entry in ClinVar:

ClinVar aggregate classification (germline): Uncertain significance (1 of 4 stars; one submission).

Conditions:
DOCK2 deficiency. Also called: Immunodeficiency 40. Identifiers: Orphanet 447737, MedGen C4225328, MONDO:0014637, OMIM 616433.

Submission:

Labcorp Genetics (formerly Invitae), Labcorp
Classification: Uncertain significance for DOCK2 deficiency. Last evaluated: 2023-10-05. Review status: criteria provided, single submitter. Criteria: Invitae Variant Classification Sherloc (09022015). Collection method: clinical testing. Allele origin: germline.
Comment: This sequence change replaces serine, which is neutral and polar, with isoleucine, which is neutral and non-polar, at codon 585 of the DOCK2 protein (p.Ser585Ile). Information on the frequency of this variant in the gnomAD database is not available, as this variant may be reported differently in the database. This variant has not been reported in the literature in individuals affected with DOCK2-related conditions. An algorithm developed to predict the effect of missense changes on protein structure and function (PolyPhen-2) suggests that this variant¬¨‚Ä†is likely to be tolerated. In summary, the available evidence is currently insufficient to determine the role of this variant in disease. Therefore, it has been classified as a Variant of Uncertain Significance.

NM_004946.3(DOCK2):c.1754_1755delinsTT (p.Ser585Ile)

Gene: DOCK2 (dedicator of cytokinesis 2; plus strand). Cytogenetic location: 5q35.1.
Variant type: Indel.
Coding change: c.1754_1755delinsTT on transcript NM_004946.3 (MANE Select); coding-DNA positions 1754 to 1755, GC replaced by TT.
Protein change: p.Ser585Ile; replaces serine 585 with isoleucine.
Molecular consequence: missense variant. On other transcripts: non-coding transcript variant (1).
Genome position (GRCh38, 1-based): chr5:169,714,122-169,714,123, GC replaced by TT. VCF-style: chr5-169714122-GC-TT. GRCh37 (hg19) VCF-style: chr5-169141126-GC-TT.
Other names: short protein forms S585I.
Identifiers: ClinVar variation 3015772 (VCV003015772.2), dbSNP rs2532625136, ClinGen allele CA2740094183.